The following is an entry in ClinVar:

NM_001083961.2(WDR62):c.547G>A (p.Val183Ile)

Gene: WDR62 (WD repeat domain 62; plus strand). Cytogenetic location: 19q13.12.
Variant type: single nucleotide variant.
Coding change: c.547G>A on transcript NM_001083961.2 (MANE Select); coding-DNA position 547, G replaced by A.
Protein change: p.Val183Ile; replaces valine 183 with isoleucine.
Molecular consequence: missense variant.
Genome position (GRCh38, 1-based): chr19:36,066,413, G>A. VCF-style: chr19-36066413-G-A. GRCh37 (hg19) VCF-style: chr19-36557315-G-A.
Other names: c.547G>A, p.Val183Ile (NM_001411145.1, NM_001411146.1, NM_001411147.1 and 1 more transcripts); short protein forms V183I.
Identifiers: ClinVar variation 2973442 (VCV002973442.3), dbSNP rs765128757, ClinGen allele CA307841194.

ClinVar aggregate classification (germline): Uncertain significance (1 of 4 stars; one submission).

Allele frequency attached by ClinVar (database versions not stated): gnomAD exomes 0.00001; TOPMed 0.00001; gnomAD 0.00001.
gnomAD v4.1: 9 of 1,603,462 alleles (0.00056%); highest among the groups gnomAD compares: East Asian, 0.0023%; no homozygotes.

Submission:

Labcorp Genetics (formerly Invitae), Labcorp
Classification: Uncertain significance. Last evaluated: 2023-05-13. Review status: criteria provided, single submitter. Criteria: Invitae Variant Classification Sherloc (09022015). Collection method: clinical testing. Allele origin: germline.
Comment: The frequency data for this variant in the population databases is considered unreliable, as metrics indicate poor data quality at this position in the gnomAD database. In summary, the available evidence is currently insufficient to determine the role of this variant in disease. Therefore, it has been classified as a Variant of Uncertain Significance. Advanced modeling of protein sequence and biophysical properties (such as structural, functional, and spatial information, amino acid conservation, physicochemical variation, residue mobility, and thermodynamic stability) performed at Invitae indicates that this missense variant is not expected to disrupt WDR62 protein function. This variant has not been reported in the literature in individuals affected with WDR62-related conditions. This sequence change replaces valine, which is neutral and non-polar, with isoleucine, which is neutral and non-polar, at codon 183 of the WDR62 protein (p.Val183Ile).